The following is an entry in ClinVar:

ClinVar aggregate classification (germline): Uncertain significance (1 of 4 stars; one submission).

Conditions:
Amyotrophic lateral sclerosis type 4 (ALS4). Also called: NEURONOPATHY, DISTAL HEREDITARY MOTOR, WITH PYRAMIDAL FEATURES; AMYOTROPHIC LATERAL SCLEROSIS 4, JUVENILE. Identifiers: Orphanet 357043, MedGen C1865409, MONDO:0011223, OMIM 602433.
Spinocerebellar ataxia, autosomal recessive, with axonal neuropathy 2 (SCAN2). Also called: Ataxia-ocular apraxia-2; ATAXIA-OCULOMOTOR APRAXIA 2; Ataxia with Oculomotor Apraxia; Ataxia with Oculomotor Apraxia Type 2. Identifiers: Orphanet 64753, MedGen C1853761, MONDO:0018996, OMIM 606002.

Allele frequency attached by ClinVar (database versions not stated): gnomAD exomes below 0.00001.
gnomAD v4.1: 2 of 1,614,104 alleles (0.00012%); highest among the groups gnomAD compares: Non-Finnish European, 0.000085%; no homozygotes.

Submission:

Labcorp Genetics (formerly Invitae), Labcorp
Classification: Uncertain significance for Amyotrophic lateral sclerosis type 4; Spinocerebellar ataxia, autosomal recessive, with axonal neuropathy 2. Last evaluated: 2020-03-26. Review status: criteria provided, single submitter. Criteria: Invitae Variant Classification Sherloc (09022015). Collection method: clinical testing. Allele origin: germline.
Comment: This sequence change replaces leucine with phenylalanine at codon 1226 of the SETX protein (p.Leu1226Phe). The leucine residue is weakly conserved and there is a small physicochemical difference between leucine and phenylalanine. This variant is not present in population databases (ExAC no frequency). In summary, the available evidence is currently insufficient to determine the role of this variant in disease. Therefore, it has been classified as a Variant of Uncertain Significance. Algorithms developed to predict the effect of missense changes on protein structure and function are either unavailable or do not agree on the potential impact of this missense change (SIFT: "Tolerated"; PolyPhen-2: "Possibly Damaging"; Align-GVGD: "Class C0"). This variant has not been reported in the literature in individuals with SETX-related conditions.

NM_015046.7(SETX):c.3676C>T (p.Leu1226Phe)

Gene: SETX (senataxin; minus strand). Cytogenetic location: 9q34.13.
Variant type: single nucleotide variant.
Coding change: c.3676C>T on transcript NM_015046.7 (MANE Select); coding-DNA position 3676, C replaced by T.
Protein change: p.Leu1226Phe; replaces leucine 1226 with phenylalanine.
Molecular consequence: missense variant.
Genome position (GRCh38, 1-based): chr9:132,327,922, G>A on the plus strand (C>T on the coding strand, the complement: SETX is on the minus strand). VCF-style: chr9-132327922-G-A. GRCh37 (hg19) VCF-style: chr9-135203309-G-A.
Other names: c.3676C>T, p.Leu1226Phe (NM_001351527.2, NM_001351528.2); short protein forms L1226F.
Identifiers: ClinVar variation 1058796 (VCV001058796.9), dbSNP rs2131440671, ClinGen allele CA375329777.